The following is an entry in ClinVar:

ClinVar aggregate classification (germline): Likely pathogenic (1 of 4 stars; one submission).

Conditions:
Kabuki syndrome. Also called: NIIKAWA-KUROKI SYNDROME; Kabuki make-up syndrome. Identifiers: Orphanet 2322, MedGen C0796004, MONDO:0016512.

Submission:

Labcorp Genetics (formerly Invitae), Labcorp
Classification: Likely pathogenic for Kabuki syndrome. Last evaluated: 2023-10-16. Review status: criteria provided, single submitter. Criteria: Invitae Variant Classification Sherloc (09022015). Collection method: clinical testing. Allele origin: germline.
Comment: This sequence change affects a donor splice site in intron 19 of the KMT2D gene. It is expected to disrupt RNA splicing. Variants that disrupt the donor or acceptor splice site typically lead to a loss of protein function (PMID: 16199547), and loss-of-function variants in KMT2D are known to be pathogenic (PMID: 22126750). This variant is not present in population databases (gnomAD no frequency). This variant has not been reported in the literature in individuals affected with KMT2D-related conditions. Algorithms developed to predict the effect of sequence changes on RNA splicing suggest that this variant may disrupt the consensus splice site. In summary, the currently available evidence indicates that the variant is pathogenic, but additional data are needed to prove that conclusively. Therefore, this variant has been classified as Likely Pathogenic.

Literature cited by the submitters: PubMed 16199547; PubMed 22126750.

NM_003482.4(KMT2D):c.4963+1G>T

Gene: KMT2D (lysine methyltransferase 2D; minus strand). Cytogenetic location: 12q13.12.
Variant type: single nucleotide variant.
Coding change: c.4963+1G>T on transcript NM_003482.4 (MANE Select); the canonical splice donor site of the intron after coding-DNA position 4963, G replaced by T.
Molecular consequence: splice donor variant.
Genome position (GRCh38, 1-based): chr12:49,044,743, C>A on the plus strand (G>T on the coding strand, the complement: KMT2D is on the minus strand). VCF-style: chr12-49044743-C-A. GRCh37 (hg19) VCF-style: chr12-49438526-C-A.
Identifiers: ClinVar variation 3004641 (VCV003004641.3), dbSNP rs1565804175, ClinGen allele CA384639175.
Genomic context (GRCh38, chr12:49,044,743, plus strand): 5'-ATCCCACTCCCAGAGTCACGCTCCCCCTACTCTGCCGCTCCCTAAGATTCCCCAAGCTAA[C>A]CTTCACCCTTGAGCAGCTCATCGGTGTCCAGGTCCCCATCCTTCTTGTCATCAGGGCCAA-3'